The following is an entry in ClinVar:

NM_021120.4(DLG3):c.1455G>A (p.Met485Ile)

Gene: DLG3 (discs large MAGUK scaffold protein 3; plus strand). Cytogenetic location: Xq13.1.
Variant type: single nucleotide variant.
Coding change: c.1455G>A on transcript NM_021120.4 (MANE Select); coding-DNA position 1455, G replaced by A.
Protein change: p.Met485Ile; replaces methionine 485 with isoleucine.
Molecular consequence: missense variant.
Genome position (GRCh38, 1-based): chrX:70,479,199, G>A. VCF-style: chrX-70479199-G-A. GRCh37 (hg19) VCF-style: chrX-69699049-G-A.
Other names: c.6G>A, p.Met2Ile (NM_001166278.2); c.444G>A, p.Met148Ile (NM_020730.3); short protein forms M2I, M148I, M485I.
Identifiers: ClinVar variation 4997502 (VCV004997502.1).

ClinVar aggregate classification (germline): Uncertain significance (1 of 4 stars; one submission).

Conditions:
DLG3-related disorder. Also called: DLG3-related condition.

gnomAD v4.1: 3 of 1,206,914 alleles (0.00025%); highest among the groups gnomAD compares: South Asian, 0.0018%; no homozygotes.

Submission:

PreventionGenetics, part of Exact Sciences
Classification: Uncertain significance for DLG3-related condition. Last evaluated: 2024-12-20. Review status: criteria provided, single submitter. Criteria: ACMG Guidelines, 2015. Collection method: clinical testing. Allele origin: germline.
Comment: The DLG3 c.1455G>A variant is predicted to result in the amino acid substitution p.Met485Ile. To our knowledge, this variant has not been reported in the literature. This variant is reported in 0.0052% of alleles in individuals of South Asian descent in gnomAD. At this time, the clinical significance of this variant is uncertain due to the absence of conclusive functional and genetic evidence.